The following is an entry in ClinVar:

ClinVar aggregate classification (germline): Uncertain significance. Review status: criteria provided, single submitter (1 of 4 stars). 2 submissions from 2 submitters: Uncertain significance (1). 1 of the submissions does not count toward it. Last evaluated 2025-08-31.

Conditions:
CFAP69-related disorder. Also called: CFAP69-related condition.

gnomAD v4.1: 372 of 1,553,586 alleles (0.024%); highest among the groups gnomAD compares: East Asian, 0.52%; 2 homozygotes.

Submissions (2):

Ambry Genetics
Classification: Uncertain significance. Last evaluated: 2025-08-31. Review status: criteria provided, single submitter. Criteria: Ambry Variant Classification Scheme 2023. Collection method: clinical testing. Allele origin: germline.

PreventionGenetics, part of Exact Sciences
Classification: Likely benign for CFAP69-related condition. Last evaluated: 2024-08-30. Review status: no assertion criteria provided. Collection method: clinical testing. Allele origin: germline. Not counted in ClinVar's aggregate classification.
Comment: This variant is classified as likely benign based on ACMG/AMP sequence variant interpretation guidelines (Richards et al. 2015 PMID: 25741868, with internal and published modifications).

NM_001039706.3(CFAP69):c.49A>G (p.Ile17Val)

Gene: CFAP69 (cilia and flagella associated protein 69; plus strand). Cytogenetic location: 7q21.13.
Variant type: single nucleotide variant.
Coding change: c.49A>G on transcript NM_001039706.3 (MANE Select); coding-DNA position 49, A replaced by G.
Protein change: p.Ile17Val; replaces isoleucine 17 with valine.
Molecular consequence: missense variant.
Genome position (GRCh38, 1-based): chr7:90,245,473, A>G. VCF-style: chr7-90245473-A-G. GRCh37 (hg19) VCF-style: chr7-89874787-A-G.
Other names: c.49A>G, p.Ile17Val (NM_001160138.2, NM_001363438.1); short protein forms I17V.
Identifiers: ClinVar variation 3357350 (VCV003357350.2).